The following is an entry in ClinVar:

NM_203446.3(SYNJ1):c.447G>T (p.Met149Ile)

Gene: SYNJ1 (synaptojanin 1; minus strand). Cytogenetic location: 21q22.11.
Variant type: single nucleotide variant.
Coding change: c.447G>T on transcript NM_203446.3 (MANE Select); coding-DNA position 447, G replaced by T.
Protein change: p.Met149Ile; replaces methionine 149 with isoleucine.
Molecular consequence: missense variant.
Genome position (GRCh38, 1-based): chr21:32,699,870, C>A on the plus strand (G>T on the coding strand, the complement: SYNJ1 is on the minus strand). VCF-style: chr21-32699870-C-A. GRCh37 (hg19) VCF-style: chr21-34072180-C-A.
Other names: c.447G>T, p.Met149Ile (NM_001160302.2, NM_001160306.2); c.564G>T, p.Met188Ile (NM_003895.4); short protein forms M149I, M188I.
Identifiers: ClinVar variation 1364415 (VCV001364415.8), dbSNP rs2146212303, ClinGen allele CA410101137.

ClinVar aggregate classification (germline): Uncertain significance (1 of 4 stars; one submission).

Conditions:
Developmental and epileptic encephalopathy, 53. Also called: Epileptic encephalopathy, early infantile, 53. Identifiers: MedGen C4479313, MONDO:0033362, OMIM 617389.
Early-onset Parkinson disease 20. Also called: PARKINSON DISEASE 20, AUTOSOMAL RECESSIVE EARLY-ONSET. Identifiers: Orphanet 391411, MedGen C3809824, MONDO:0014233, OMIM 615530.

Submission:

Labcorp Genetics (formerly Invitae), Labcorp
Classification: Uncertain significance for Developmental and epileptic encephalopathy, 53; Early-onset Parkinson disease 20. Last evaluated: 2021-04-21. Review status: criteria provided, single submitter. Criteria: Invitae Variant Classification Sherloc (09022015). Collection method: clinical testing. Allele origin: germline.
Comment: This sequence change replaces methionine with isoleucine at codon 188 of the SYNJ1 protein (p.Met188Ile). The methionine residue is moderately conserved and there is a small physicochemical difference between methionine and isoleucine. In summary, the available evidence is currently insufficient to determine the role of this variant in disease. Therefore, it has been classified as a Variant of Uncertain Significance. Algorithms developed to predict the effect of missense changes on protein structure and function output the following: SIFT: "Tolerated"; PolyPhen-2: "Benign"; Align-GVGD: "Class C0". The isoleucine amino acid residue is found in multiple mammalian species, suggesting that this missense change does not adversely affect protein function. These predictions have not been confirmed by published functional studies and their clinical significance is uncertain. This variant has not been reported in the literature in individuals with SYNJ1-related conditions. This variant is not present in population databases (ExAC no frequency).